The following is an entry in ClinVar:

ClinVar aggregate classification (germline): Benign. Review status: criteria provided, multiple submitters, no conflicts (2 of 4 stars). 2 submissions from 2 submitters: Benign (2). Last evaluated 2018-06-14.

Allele frequency attached by ClinVar (database versions not stated): 1000 Genomes Project 0.03674; TOPMed 0.03699; gnomAD exomes 0.00329; gnomAD 0.03505 and 0.03269; 1000 Genomes Project 30x 0.04060.
gnomAD v4.1: 7,394 of 862,728 alleles (0.86%); highest among the groups gnomAD compares: African/African-American, 11%; 372 homozygotes.

Submissions (5):

GeneDx
Classification: Benign. Last evaluated: 2018-06-14. Review status: criteria provided, single submitter. Criteria: GeneDx Variant Classification (06012015). Collection method: clinical testing. Allele origin: germline. Affected: yes.
Comment: This variant is considered likely benign or benign based on one or more of the following criteria: it is a conservative change, it occurs at a poorly conserved position in the protein, it is predicted to be benign by multiple in silico algorithms, and/or has population frequency not consistent with disease.

Breakthrough Genomics
Classification: Benign. Review status: criteria provided, single submitter. Criteria: ACMG Guidelines, 2015. Collection method: not provided. Allele origin: germline. Inheritance: Autosomal dominant inheritance. Affected: yes.

Dr. Peter K. Rogan Lab, Western University
No classification provided (evidence only). Condition: Lung cancer. Review status: no classification provided. Collection method: in vitro. Allele origin: not applicable. Functional consequence: retained intron. Not counted in ClinVar's aggregate classification.

Dr. Peter K. Rogan Lab, Western University
No classification provided (evidence only). Condition: Uterine corpus endometrial carcinoma. Review status: no classification provided. Collection method: in vitro. Allele origin: not applicable. Functional consequence: retained intron. Not counted in ClinVar's aggregate classification.

Dr. Peter K. Rogan Lab, Western University
No classification provided (evidence only). Condition: Uterine corpus endometrial carcinoma. Review status: no classification provided. Collection method: in vitro. Allele origin: not applicable. Functional consequence: retained intron. Not counted in ClinVar's aggregate classification.

NM_016599.5(MYOZ2):c.560+127A>G

Gene: MYOZ2 (myozenin 2; plus strand). Cytogenetic location: 4q26.
Variant type: single nucleotide variant.
Coding change: c.560+127A>G on transcript NM_016599.5 (MANE Select); 127 bases into the intron after coding-DNA position 560, A replaced by G.
Molecular consequence: intron variant.
Genome position (GRCh38, 1-based): chr4:119,164,521, A>G. VCF-style: chr4-119164521-A-G. GRCh37 (hg19) VCF-style: chr4-120085676-A-G.
Other names: NC_000004.11:g.120085676A>G.
Identifiers: ClinVar variation 672826 (VCV000672826.3), dbSNP rs77187847, ClinGen allele CA104971843.